The following is an entry in ClinVar:

ClinVar aggregate classification (germline): Pathogenic (1 of 4 stars; one submission).

Submission:

Labcorp Genetics (formerly Invitae), Labcorp
Classification: Pathogenic. Last evaluated: 2023-12-19. Review status: criteria provided, single submitter. Criteria: Invitae Variant Classification Sherloc (09022015). Collection method: clinical testing. Allele origin: unknown.
Comment: This variant is a gross deletion of the genomic region encompassing exon(s) 13-21 of the CCDC88A gene. This deletion is out-of-frame, and is expected to create a premature termination codon and result in an absent or disrupted protein product. Loss-of-function variants in CCDC88A are known to be pathogenic (PMID: 26917597, 30392057). This variant has not been reported in the literature in individuals affected with CCDC88A-related conditions. For these reasons, this variant has been classified as Pathogenic.

Literature cited by the submitters: PubMed 26917597; PubMed 30392057.

NC_000002.11:g.(?_55544322)_(55566804_?)del

Gene: CCDC88A (coiled-coil domain containing 88A; minus strand). Cytogenetic location: 2p16.1.
Variant type: Deletion.
Identifiers: ClinVar variation 3247481 (VCV003247481.1).